The following is an entry in ClinVar:

NM_007294.4(BRCA1):c.1837A>G (p.Arg613Gly)

Gene: BRCA1 (BRCA1 DNA repair associated; minus strand). Cytogenetic location: 17q21.31.
Variant type: single nucleotide variant.
Coding change: c.1837A>G on transcript NM_007294.4 (MANE Select); coding-DNA position 1837, A replaced by G.
Protein change: p.Arg613Gly; replaces arginine 613 with glycine.
Molecular consequence: missense variant. On other transcripts: intron variant (137).
Genome position (GRCh38, 1-based): chr17:43,093,694, T>C on the plus strand (A>G on the coding strand, the complement: BRCA1 is on the minus strand). VCF-style: chr17-43093694-T-C. GRCh37 (hg19) VCF-style: chr17-41245711-T-C.
Other names: c.1624A>G, p.Arg542Gly (NM_001407571.1, NM_001407853.1, NM_001407894.1 and 9 more transcripts); c.1837A>G, p.Arg613Gly (NM_001407581.1, NM_001407582.1, NM_001407583.1 and 30 more transcripts); c.1834A>G, p.Arg612Gly (NM_001407587.1, NM_001407590.1, NM_001407591.1 and 22 more transcripts); c.1828A>G, p.Arg610Gly (NM_001407646.1, NM_001407647.1); c.1714A>G, p.Arg572Gly (NM_001407648.1, NM_001407664.1, NM_001407665.1 and 19 more transcripts); c.1711A>G, p.Arg571Gly (NM_001407649.1, NM_001407670.1, NM_001407671.1 and 11 more transcripts); c.1759A>G, p.Arg587Gly (NM_001407663.1, NM_001407653.1, NM_001407654.1 and 4 more transcripts); c.1696A>G, p.Arg566Gly (NM_001407727.1, NM_001407728.1, NM_001407729.1 and 29 more transcripts); and 40 more; short protein forms R613G, R566G, R485G, R501G, R524G, R571G, R586G, R612G.
Identifiers: ClinVar variation 216655 (VCV000216655.32), dbSNP rs863224753, ClinGen allele CA336046.
Genomic context (GRCh38, chr17:43,093,694, plus strand): 5'-GGCTTAGATTTCTACTGACTACTAGTTCAAGCGCATGAATATGCCTGGTAGAAGACTTCC[T>C]CCTCAGCCTATTCTTTTTAGGTGCTTTTGAATTGTGGATATTTAATTCGAGTTCCATATT-3'
Protein context (NP_009225.1, residues 603-623): SKAPKKNRLR[Arg613Gly]KSSTRHIHAL

ClinVar aggregate classification (germline): Conflicting classifications of pathogenicity. Review status: criteria provided, conflicting classifications (1 of 4 stars). 9 submissions from 9 submitters: Uncertain significance (7); Likely benign (2). Last evaluated 2025-09-19.

Conditions:
BRCA1-related disorder. Also called: BRCA1-related condition.
Hereditary breast ovarian cancer syndrome. Also called: Breast and ovarian cancer; Hereditary breast and ovarian cancer; Hereditary breast and ovarian cancer syndrome; Hereditary breast and/or ovarian cancer syndrome; BRCA1- and BRCA2-Associated Hereditary Breast and Ovarian Cancer; Hereditary breast and ovarian cancer syndrome (HBOC). Identifiers: Orphanet 145, MedGen C0677776, MeSH D061325, MONDO:0003582. Disease mechanism: loss of function.
Breast-ovarian cancer, familial, susceptibility to, 1 (BROVCA1). Also called: BRCA1 Hereditary Breast and Ovarian Cancer; OVARIAN CANCER, SUSCEPTIBILITY TO. Identifiers: Orphanet 145, MedGen C2676676, MONDO:0011450, OMIM 604370. Disease mechanism: loss of function.
Hereditary cancer-predisposing syndrome. Also called: Tumor predisposition; Hereditary Cancer Syndrome; Neoplastic Syndromes, Hereditary; Hereditary neoplastic syndrome. Identifiers: Orphanet 140162, MedGen C0027672, MeSH D009386, MONDO:0015356.

Allele frequency attached by ClinVar (database versions not stated): gnomAD exomes below 0.00001; TOPMed 0.00001.
gnomAD v4.1: 3 of 1,614,122 alleles (0.00019%); highest among the groups gnomAD compares: Non-Finnish European, 0.00017%; no homozygotes.

Submissions (9):

PreventionGenetics, part of Exact Sciences
Classification: Uncertain significance for BRCA1-related condition. Last evaluated: 2025-09-19. Review status: criteria provided, single submitter. Criteria: ACMG Guidelines, 2015. Collection method: clinical testing. Allele origin: germline.
Comment: The BRCA1 c.1837A>G variant is predicted to result in the amino acid substitution p.Arg613Gly. To our knowledge, this variant has not been reported in the literature or in a large population database (gnomAD), indicating this variant is rare. In ClinVar, this variant is classified as likely benign and uncertain clinical significance (ClinVar ID: 216655). At this time, the clinical significance of this variant is uncertain due to the absence of conclusive functional and genetic evidence.

Labcorp Genetics (formerly Invitae), Labcorp
Classification: Likely benign for Hereditary breast ovarian cancer syndrome. Last evaluated: 2025-08-03. Review status: criteria provided, single submitter. Criteria: Invitae Variant Classification Sherloc (09022015). Collection method: clinical testing. Allele origin: germline.

Ambry Genetics
Classification: Uncertain significance for Hereditary cancer-predisposing syndrome. Last evaluated: 2025-01-14. Review status: criteria provided, single submitter. Criteria: Ambry Variant Classification Scheme 2023. Collection method: clinical testing. Allele origin: germline.
Comment: The p.R613G variant (also known as c.1837A>G), located in coding exon 9 of the BRCA1 gene, results from an A to G substitution at nucleotide position 1837. The arginine at codon 613 is replaced by glycine, an amino acid with dissimilar properties. This amino acid position is not well conserved in available vertebrate species. In addition, the in silico prediction for this alteration is inconclusive. Based on the available evidence, the clinical significance of this variant remains unclear.

All of Us Research Program, National Institutes of Health
Classification: Uncertain significance for Breast-ovarian cancer, familial, susceptibility to, 1. Last evaluated: 2023-12-18. Review status: criteria provided, single submitter. Criteria: ACMG Guidelines, 2015. Collection method: clinical testing. Allele origin: germline. Inheritance: Autosomal dominant inheritance. Observed: 3 variant alleles, 3 heterozygotes.
Comment: This missense variant replaces arginine with glycine at codon 613 of the BRCA1 protein. Computational prediction suggests that this variant may have deleterious impact on protein structure and function (internally defined REVEL score threshold >= 0.7, PMID: 27666373). To our knowledge, functional studies have not been reported for this variant. This variant has not been reported in individuals affected with BRCA1-related disorders in the literature. This variant has not been identified in the general population by the Genome Aggregation Database (gnomAD). The available evidence is insufficient to determine the role of this variant in disease conclusively. Therefore, this variant is classified as a Variant of Uncertain Significance.

This study involves interpretation of variants in research participants for the purpose of population health screening. Participant phenotype was not available at the time of variant classification. Additional details can be found in publication PMID: 35346344, PMCID: PMC8962531

University of Washington Department of Laboratory Medicine, University of Washington
Classification: Likely benign for Hereditary cancer-predisposing syndrome. Last evaluated: 2023-03-23. Review status: criteria provided, single submitter. Criteria: Dines et al. (Genet Med. 2020). Collection method: curation. Allele origin: germline.
Comment: Missense variant in a coldspot region where missense variants are very unlikely to be pathogenic (PMID:31911673).

BRCA1 coldspot (exon 11 using historical exon numbering). Reclassification based on statistical prior probability

Color Diagnostics, LLC DBA Color Health
Classification: Uncertain significance for Hereditary cancer-predisposing syndrome. Last evaluated: 2023-02-15. Review status: criteria provided, single submitter. Criteria: ACMG Guidelines, 2015. Collection method: clinical testing. Allele origin: germline.
Comment: This missense variant replaces arginine with glycine at codon 613 of the BRCA1 protein. Computational prediction suggests that this variant may have deleterious impact on protein structure and function (internally defined REVEL score threshold >= 0.7, PMID: 27666373). To our knowledge, functional studies have not been reported for this variant. This variant has not been reported in individuals affected with BRCA1-related disorders in the literature. This variant has not been identified in the general population by the Genome Aggregation Database (gnomAD). The available evidence is insufficient to determine the role of this variant in disease conclusively. Therefore, this variant is classified as a Variant of Uncertain Significance.

Genetics and Molecular Pathology, SA Pathology
Classification: Uncertain significance for Breast-ovarian cancer, familial, susceptibility to, 1. Last evaluated: 2020-12-04. Review status: criteria provided, single submitter. Criteria: ACMG Guidelines, 2015. Collection method: clinical testing. Allele origin: germline. Affected: yes.

Quest Diagnostics Nichols Institute San Juan Capistrano
Classification: Uncertain significance. Last evaluated: 2018-11-28. Review status: criteria provided, single submitter. Criteria: Quest Diagnostics criteria. Collection method: clinical testing. Allele origin: germline.

GeneDx
Classification: Uncertain significance. Last evaluated: 2017-07-07. Review status: criteria provided, single submitter. Criteria: GeneDx Variant Classification (06012015). Collection method: clinical testing. Allele origin: germline. Affected: yes.
Comment: This variant is denoted BRCA1 c.1837A>G at the cDNA level, p.Arg613Gly (R613G) at the protein level, and results in the change of an Arginine to a Glycine (AGG>GGG). Using alternate nomenclature, this variant would be defined as BRCA1 1956A>G. This variant has not, to our knowledge, been published in the literature as pathogenic or benign. BRCA1 Arg613Gly was not observed in large population cohorts (NHLBI Exome Sequencing Project, The 1000 Genomes Consortium 2015, Lek 2016). Since Arginine and Glycine differ in polarity, charge, size or other properties, this is considered a non-conservative amino acid substitution. BRCA1 Arg613Gly occurs at a position that is not conserved and is located in the NLS2 motif and a region of interaction with multiple proteins (Borg 2010, Paul 2014). In silico analyses predict that this variant is probably damaging to protein structure and function. Based on currently available evidence, it is unclear whether BRCA1 Arg613Gly is a pathogenic or benign variant. We consider it to be a variant of uncertain significance.